The following is an entry in ClinVar:

ClinVar aggregate classification (germline): VUS-low (1 of 4 stars; one submission).

Conditions:
Autosomal dominant Parkinson disease 8. Also called: LRRK2-Related Parkinson Disease; Parkinson disease 8; Parkinson disease 8, susceptibility to. Identifiers: Orphanet 411602, MedGen C1846862, MONDO:0011764, OMIM 607060.

Submission:

Centre for Medical Genetics,  Mumbai
Classification: VUS-low for Autosomal dominant Parkinson disease 8. Last evaluated: 2026-05-20. Review status: criteria provided, single submitter. Criteria: ACMG Guidelines, 2015. Collection method: provider interpretation. Allele origin: germline. Inheritance: Autosomal dominant inheritance. Affected: no. Observed: 1 variant allele, 1 heterozygote.
Comment: The variant satisfies PM2 criteria - extremely low frequency in gnomAD population databases. The Bayesian framework classifies it as a variant of uncertain significance due to lack of sufficient clinical evidence.

Literature cited by the submitters: PubMed 15541308.

NM_198578.4(LRRK2):c.4942C>G (p.Gln1648Glu)

Gene: LRRK2 (leucine rich repeat kinase 2; plus strand). Cytogenetic location: 12q12.
Variant type: single nucleotide variant.
Coding change: c.4942C>G on transcript NM_198578.4 (MANE Select); coding-DNA position 4942, C replaced by G.
Protein change: p.Gln1648Glu; replaces glutamine 1648 with glutamic acid.
Molecular consequence: missense variant.
Genome position (GRCh38, 1-based): chr12:40,320,102, C>G. VCF-style: chr12-40320102-C-G. GRCh37 (hg19) VCF-style: chr12-40713904-C-G.
Other names: short protein forms Q1648E.
Identifiers: ClinVar variation 4852323 (VCV004852323.1).